The following is an entry in ClinVar:

ClinVar aggregate classification (germline): Pathogenic (1 of 4 stars; one submission).

Conditions:
Autosomal recessive limb-girdle muscular dystrophy type 2C (LGMDR5). Also called: MUSCULAR DYSTROPHY, DUCHENNE-LIKE; MUSCULAR DYSTROPHY, LIMB-GIRDLE, AUTOSOMAL RECESSIVE 5. Identifiers: Orphanet 353, MedGen C0410173, MONDO:0009677, OMIM 253700. Disease mechanism: Affects gamma-sarcoglycan and also disrupts the integrity of the entire sarcoglycan complex..

Submission:

Labcorp Genetics (formerly Invitae), Labcorp
Classification: Pathogenic for Autosomal recessive limb-girdle muscular dystrophy type 2C. Last evaluated: 2022-11-18. Review status: criteria provided, single submitter. Criteria: Invitae Variant Classification Sherloc (09022015). Collection method: clinical testing. Allele origin: unknown.
Comment: For these reasons, this variant has been classified as Pathogenic. A similar copy number variant has been observed in individual(s) with SGCG-related conditions (PMID: 18285821). This variant is a gross deletion of the genomic region encompassing exon(s) 5-6 of the SGCG gene. This deletion is out-of-frame, and is expected to create a premature termination codon and result in an absent or disrupted protein product. Loss-of-function variants in SGCG are known to be pathogenic (PMID: 18285821).

Literature cited by the submitters: PubMed 18285821.

NC_000013.10:g.(?_23853478)_(23869646_?)del

Gene: SGCG (sarcoglycan gamma; plus strand). Cytogenetic location: 13q12.12.
Variant type: Deletion.
Identifiers: ClinVar variation 3244160 (VCV003244160.1).